The following is an entry in ClinVar:

NM_017763.6(RNF43):c.657C>T (p.Arg219=)

Gene: RNF43 (ring finger protein 43; minus strand). Cytogenetic location: 17q22.
Variant type: single nucleotide variant.
Coding change: c.657C>T on transcript NM_017763.6 (MANE Select); coding-DNA position 657, C replaced by T.
Protein change: p.Arg219=; no amino-acid change (arginine 219 retained).
Molecular consequence: synonymous variant.
Genome position (GRCh38, 1-based): chr17:58,362,574, G>A on the plus strand (C>T on the coding strand, the complement: RNF43 is on the minus strand). VCF-style: chr17-58362574-G-A. GRCh37 (hg19) VCF-style: chr17-56439935-G-A.
Other names: c.657C>T, p.Arg219= (NM_001305544.3, NM_001438820.1, NM_001438821.1 and 1 more transcripts); c.276C>T, p.Arg92= (NM_001305545.2, NM_001437987.1).
Identifiers: ClinVar variation 4875773 (VCV004875773.1).

ClinVar aggregate classification (germline): Benign (1 of 4 stars; one submission).

Conditions:
Sessile serrated polyposis cancer syndrome (SSPCS). Identifiers: Orphanet 157798, MedGen C4310714, MONDO:0014919, OMIM 617108.

Submission:

Myriad Genetics, Inc.
Classification: Benign for Sessile serrated polyposis cancer syndrome. Last evaluated: 2026-06-30. Review status: criteria provided, single submitter. Criteria: Myriad Autosomal Dominant, Autosomal Recessive and X-Linked Classification Criteria (2023). Collection method: clinical testing. Allele origin: unknown.
Comment: This variant is considered benign. This variant is a silent/synonymous amino acid change and it is not expected to impact splicing.